The following is an entry in ClinVar:

NM_007294.4(BRCA1):c.3533G>A (p.Ser1178Asn)

Genes: BRCA1 (BRCA1 DNA repair associated; minus strand), LOC126862571 (BRD4-independent group 4 enhancer GRCh37_chr17:41243136-41244335; plus strand). Cytogenetic location: 17q21.31.
Variant type: single nucleotide variant.
Coding change: c.3533G>A on transcript NM_007294.4 (MANE Select); coding-DNA position 3533, G replaced by A.
Protein change: p.Ser1178Asn; replaces serine 1178 with asparagine.
Molecular consequence: missense variant. On other transcripts: intron variant (135).
Genome position (GRCh38, 1-based): chr17:43,091,998, C>T on the plus strand (G>A on the coding strand, the complement: BRCA1 is on the minus strand). VCF-style: chr17-43091998-C-T. GRCh37 (hg19) VCF-style: chr17-41244015-C-T.
Other names: c.3533G>A, p.Ser1178Asn (NM_001407617.1, NM_001407618.1, NM_001407619.1 and 30 more transcripts); c.3269G>A, p.Ser1090Asn (NM_001407928.1, NM_001407926.1, NM_001407921.1 and 9 more transcripts); c.707-966G>A (NM_001408413.1, NM_001408416.1); c.587-966G>A (NM_001408476.1, NM_001408474.1); c.710-966G>A (NM_001408409.1, NM_001408414.1, NM_001408411.1 and 2 more transcripts); c.575-966G>A (NM_001408493.1, NM_001408490.1, NM_001408491.1); c.455-966G>A (NM_001408502.1); c.578-966G>A (NM_001408489.1, NM_001408479.1, NM_001408482.1 and 9 more transcripts); and 41 more; short protein forms S1178N, S1131N, S1110N, S1130N, S1152N, S1090N, S1107N, S1108N.
Identifiers: ClinVar variation 441297 (VCV000441297.27), dbSNP rs1294360179, ClinGen allele CA10594904.

ClinVar aggregate classification (germline): Conflicting classifications of pathogenicity. Review status: criteria provided, conflicting classifications (1 of 4 stars). 6 submissions from 6 submitters: Uncertain significance (4); Likely benign (2). Last evaluated 2025-10-15.

Conditions:
Hereditary cancer-predisposing syndrome. Also called: Hereditary Cancer Syndrome; Hereditary neoplastic syndrome; Neoplastic Syndromes, Hereditary; Tumor predisposition. Identifiers: Orphanet 140162, MedGen C0027672, MeSH D009386, MONDO:0015356.
Hereditary breast ovarian cancer syndrome. Also called: Hereditary breast and ovarian cancer; Breast and ovarian cancer; Hereditary breast and ovarian cancer syndrome; Hereditary breast and/or ovarian cancer syndrome; BRCA1- and BRCA2-Associated Hereditary Breast and Ovarian Cancer; Hereditary breast and ovarian cancer syndrome (HBOC). Identifiers: Orphanet 145, MedGen C0677776, MeSH D061325, MONDO:0003582. Disease mechanism: loss of function.

Allele frequency attached by ClinVar (database versions not stated): gnomAD 0.00001; gnomAD exomes 0.00001; TOPMed 0.00001.
gnomAD v4.1: 2 of 1,613,934 alleles (0.00012%); highest among the groups gnomAD compares: African/African-American, 0.0027%; no homozygotes.

Submissions (6):

Ambry Genetics
Classification: Uncertain significance for Hereditary cancer-predisposing syndrome. Last evaluated: 2025-10-15. Review status: criteria provided, single submitter. Criteria: Ambry Variant Classification Scheme 2023. Collection method: clinical testing. Allele origin: germline.
Comment: The p.S1178N variant (also known as c.3533G>A), located in coding exon 9 of the BRCA1 gene, results from a G to A substitution at nucleotide position 3533. The serine at codon 1178 is replaced by asparagine, an amino acid with highly similar properties. This amino acid position is not well conserved in available vertebrate species. In addition, this alteration is predicted to be tolerated by in silico analysis. Since supporting evidence is limited at this time, the clinical significance of this alteration remains unclear.

Labcorp Genetics (formerly Invitae), Labcorp
Classification: Likely benign for Hereditary breast ovarian cancer syndrome. Last evaluated: 2025-07-23. Review status: criteria provided, single submitter. Criteria: Invitae Variant Classification Sherloc (09022015). Collection method: clinical testing. Allele origin: germline.

Quest Diagnostics Nichols Institute San Juan Capistrano
Classification: Uncertain significance. Last evaluated: 2025-04-16. Review status: criteria provided, single submitter. Criteria: Quest Diagnostics criteria. Collection method: clinical testing. Allele origin: unknown.
Comment: The BRCA1 c.3533G>A (p.Ser1178Asn) variant has been reported in the published literature in an individual with colorectal cancer (PMID: 28135145 (2017)), an individual with a personal and/or family history of unspecified cancer (PMID: 31853058 (2020)) and described to be located in a region of the BRCA1 gene that is tolerant to missense sequence changes (PMID: 31911673 (2020)). The frequency of this variant in the general population (Genome Aggregation Database) is uninformative in the assessment of its pathogenicity. Analysis of this variant using bioinformatics tools for the prediction of the effect of amino acid changes on protein structure and function yielded predictions that this variant is benign. Based on the available information, we are unable to determine the clinical significance of this variant.

Women's Health and Genetics/Laboratory Corporation of America, LabCorp
Classification: Uncertain significance. Last evaluated: 2024-06-17. Review status: criteria provided, single submitter. Criteria: LabCorp Variant Classification Summary - May 2015. Collection method: clinical testing. Allele origin: germline.
Comment: Variant summary: BRCA1 c.3533G>A (p.Ser1178Asn) results in a conservative amino acid change in the encoded protein sequence. Four of five in-silico tools predict a benign effect of the variant on protein function. The variant allele was found at a frequency of 8e-06 in 251222 control chromosomes. The available data on variant occurrences in the general population are insufficient to allow any conclusion about variant significance. c.3533G>A has been reported in the literature in an individual affected with colorectal cancer (Yurgelun 2017). This report does not provide unequivocal conclusions about association of the variant with Hereditary Breast And Ovarian Cancer Syndrome. To our knowledge, no experimental evidence demonstrating an impact on protein function has been reported. The following publication have been ascertained in the context of this evaluation (PMID: 28135145). ClinVar contains an entry for this variant (Variation ID: 441297). Based on the evidence outlined above, the variant was classified as uncertain significance.

University of Washington Department of Laboratory Medicine, University of Washington
Classification: Likely benign for Hereditary cancer-predisposing syndrome. Last evaluated: 2023-03-23. Review status: criteria provided, single submitter. Criteria: Dines et al. (Genet Med. 2020). Collection method: curation. Allele origin: germline.
Comment: Missense variant in a coldspot region where missense variants are very unlikely to be pathogenic (PMID:31911673).

BRCA1 coldspot (exon 11 using historical exon numbering). Reclassification based on statistical prior probability

Color Diagnostics, LLC DBA Color Health
Classification: Uncertain significance for Hereditary cancer-predisposing syndrome. Last evaluated: 2021-07-26. Review status: criteria provided, single submitter. Criteria: ACMG Guidelines, 2015. Collection method: clinical testing. Allele origin: germline.
Comment: This missense variant replaces serine with asparagine at codon 1178 of the BRCA1 protein. Computational prediction suggests that this variant may not impact protein structure and function (internally defined REVEL score threshold <= 0.5, PMID: 27666373). To our knowledge, functional studies have not been reported for this variant. This variant has been reported for an individual affected with colorectal cancer (PMID: 28135145). This variant has been identified in 2/251222 chromosomes in the general population by the Genome Aggregation Database (gnomAD). The available evidence is insufficient to determine the role of this variant in disease conclusively. Therefore, this variant is classified as a Variant of Uncertain Significance.

Literature cited by the submitters: PubMed 31853058 (cited by Quest Diagnostics Nichols Institute San Juan Capistrano); PubMed 31911673 (cited by Quest Diagnostics Nichols Institute San Juan Capistrano); PubMed 28135145 (cited by 3 submitters).